The following is an entry in ClinVar:

NM_001845.6(COL4A1):c.2758C>T (p.Pro920Ser)

Gene: COL4A1 (collagen type IV alpha 1 chain; minus strand). Cytogenetic location: 13q34.
Variant type: single nucleotide variant.
Coding change: c.2758C>T on transcript NM_001845.6 (MANE Select); coding-DNA position 2758, C replaced by T.
Protein change: p.Pro920Ser; replaces proline 920 with serine.
Molecular consequence: missense variant.
Genome position (GRCh38, 1-based): chr13:110,176,996, G>A on the plus strand (C>T on the coding strand, the complement: COL4A1 is on the minus strand). VCF-style: chr13-110176996-G-A. GRCh37 (hg19) VCF-style: chr13-110829343-G-A.
Other names: c.2758C>T (NM_001845.4, NM_001845.5); short protein forms P920S.
Identifiers: ClinVar variation 2201443 (VCV002201443.8), dbSNP rs142828583, ClinGen allele CA7047487.
Genomic context (GRCh38, chr13:110,176,996, plus strand): 5'-TATCCATGGAGCCAGGCTTGCCAGGGAGACCGACATCCCCCTTATCACCTTTCAAGCCAG[G>A]GTCTCCCCTGGGTCCTGAGGAGCCCGGAAAGCCATGGTCCCCTGCAGAGGAAAGAGAAGG-3'
Protein context (NP_001836.3, residues 910-930): FPGSSGPRGD[Pro920Ser]GLKGDKGDVG

ClinVar aggregate classification (germline): Uncertain significance. Review status: criteria provided, multiple submitters, no conflicts (2 of 4 stars). 3 submissions from 3 submitters: Uncertain significance (2). 1 of the submissions does not count toward it. Last evaluated 2025-09-11.

Conditions:
Inborn genetic diseases. Identifiers: MedGen C0950123, MeSH D030342.
COL4A1-related disorder. Also called: COL4A1-related disorders; COL4A1-related condition. Identifiers: MedGen CN376119, MONDO:0800461.

Allele frequency attached by ClinVar (database versions not stated): ExAC 0.00001; gnomAD exomes 0.00003; TOPMed 0.00004; gnomAD 0.00005; ESP Exome Variant Server 0.00008.
gnomAD v4.1: 50 of 1,613,934 alleles (0.0031%); highest among the groups gnomAD compares: Non-Finnish European, 0.0039%; no homozygotes.

Submissions (3):

Labcorp Genetics (formerly Invitae), Labcorp
Classification: Uncertain significance. Last evaluated: 2025-09-11. Review status: criteria provided, single submitter. Criteria: Invitae Variant Classification Sherloc (09022015). Collection method: clinical testing. Allele origin: germline.
Comment: This sequence change replaces proline, which is neutral and non-polar, with serine, which is neutral and polar, at codon 920 of the COL4A1 protein (p.Pro920Ser). This variant is present in population databases (rs142828583, gnomAD 0.003%). This variant has not been reported in the literature in individuals affected with COL4A1-related conditions. ClinVar contains an entry for this variant (Variation ID: 2201443). Invitae Evidence Modeling of protein sequence and biophysical properties (such as structural, functional, and spatial information, amino acid conservation, physicochemical variation, residue mobility, and thermodynamic stability) indicates that this missense variant is not expected to disrupt COL4A1 protein function with a negative predictive value of 95%. In summary, the available evidence is currently insufficient to determine the role of this variant in disease. Therefore, it has been classified as a Variant of Uncertain Significance.

Ambry Genetics
Classification: Uncertain significance for Inborn genetic diseases. Last evaluated: 2025-08-14. Review status: criteria provided, single submitter. Criteria: Ambry Variant Classification Scheme 2023. Collection method: clinical testing. Allele origin: germline.

PreventionGenetics, part of Exact Sciences
Classification: Uncertain significance for COL4A1-related condition. Last evaluated: 2024-09-20. Review status: no assertion criteria provided. Collection method: clinical testing. Allele origin: germline. Not counted in ClinVar's aggregate classification.
Comment: The COL4A1 c.2758C>T variant is predicted to result in the amino acid substitution p.Pro920Ser. To our knowledge, this variant has not been reported in the literature. This variant is reported in 0.0031% of alleles in individuals of European (Non-Finnish) descent in gnomAD. At this time, the clinical significance of this variant is uncertain due to the absence of conclusive functional and genetic evidence.